The following is an entry in ClinVar:

ClinVar aggregate classification (germline): Likely pathogenic. Review status: criteria provided, single submitter (1 of 4 stars). 2 submissions from 2 submitters: Likely pathogenic (1). 1 of the submissions does not count toward it. Last evaluated 2025-08-11.

Conditions:
RELT-related disorder. Also called: RELT-related condition.
Amelogenesis imperfecta, type 3C. Also called: AMELOGENESIS IMPERFECTA, HYPOCALCIFICATION TYPE, AUTOSOMAL RECESSIVE. Identifiers: MedGen C5193069, MONDO:0032717, OMIM 618386.

Allele frequency attached by ClinVar (database versions not stated): gnomAD exomes 0.00003 and 0.00010; gnomAD 0.00004; TOPMed 0.00006; ExAC 0.00009.

Submissions (2):

PreventionGenetics, part of Exact Sciences
Classification: Likely pathogenic for RELT-related condition. Last evaluated: 2025-08-11. Review status: criteria provided, single submitter. Criteria: ACMG Guidelines, 2015. Collection method: clinical testing. Allele origin: germline.
Comment: The RELT c.1169_1170delCT variant is predicted to result in a frameshift and premature protein termination (p.Pro390Argfs*35). This variant has been reported in the homozygous state in an individual with amelogenesis imperfecta (Kim et al. 2019. PubMed ID: 30506946). This variant is reported in 0.14% of alleles in individuals of East Asian descent in gnomAD. Frameshift variants in RELT are expected to be pathogenic. This variant is interpreted as likely pathogenic.

OMIM
Classification: Pathogenic for AMELOGENESIS IMPERFECTA, TYPE IIIC. Last evaluated: 2019-04-11. Review status: no assertion criteria provided. Collection method: literature only. Allele origin: germline. Not counted in ClinVar's aggregate classification.

Literature cited by the submitters: PubMed 30506946 (cited by OMIM).

NM_152222.2(RELT):c.1169_1170del (p.Pro390fs)

Gene: RELT (RELT TNF receptor; plus strand). Cytogenetic location: 11q13.4.
Variant type: Deletion.
Coding change: c.1169_1170del on transcript NM_152222.2 (MANE Select); coding-DNA positions 1169 to 1170, 2 bases deleted (CT; older notation c.1169_1170delCT).
Protein change: p.Pro390fs; shifts the reading frame from proline 390.
Molecular consequence: frameshift variant.
Genome position (GRCh38, 1-based): chr11:73,395,209-73,395,210, CT deleted. VCF-style (leftmost placement, unchanged base first): chr11-73395208-CCT-C. GRCh37 (hg19) VCF-style: chr11-73106253-CCT-C.
Other names: c.1169_1170delCT (NM_032871.3, NM_152222.1); c.1169_1170del, p.Pro390fs (NM_032871.4); short protein forms P390fs.
Identifiers: ClinVar variation 625368 (VCV000625368.2), dbSNP rs772929908, ClinGen allele CA6178908.